The following is an entry in ClinVar:

ClinVar aggregate classification (germline): Pathogenic/Likely pathogenic. Review status: criteria provided, multiple submitters, no conflicts (2 of 4 stars). 2 submissions from 2 submitters: Pathogenic (1); Likely pathogenic (1). Last evaluated 2022-11-16.

Conditions:
Severe myoclonic epilepsy in infancy (DRVT). Also called: Epileptic encephalopathy, early infantile, 6 (Dravet syndrome); SEVERE MYOCLONIC EPILEPSY OF INFANCY; DEVELOPMENTAL AND EPILEPTIC ENCEPHALOPATHY 6A; Severe Myoclonic Epilepsy in Infancy (SMEI); Dravet syndrome. Identifiers: Orphanet 33069, MedGen C0751122, MONDO:0100135, OMIM 607208.

Submissions (2):

GeneDx
Classification: Likely pathogenic. Last evaluated: 2022-11-16. Review status: criteria provided, single submitter. Criteria: GeneDx Variant Classification Process June 2021. Collection method: clinical testing. Allele origin: germline. Affected: yes.
Comment: Not observed at significant frequency in large population cohorts (gnomAD); Missense variants in this gene are often considered pathogenic (HGMD); In silico analysis supports that this missense variant does not alter protein structure/function; This variant is associated with the following publications: (PMID: 26096185)

Center for Bioinformatics, Peking University
Classification: Pathogenic for Dravet syndrome. Last evaluated: 2014-12-20. Review status: criteria provided, single submitter. Criteria: Xu et al. (Hum Mutat. 2015). Collection method: research. Allele origin: de novo. Affected: yes. Observed: 1 variant allele. Study: University Clinical Cooperation “985 Project” PKU-2014-1-1.
Comment: Dravet syndrome (DS) probands were recruited from the outpatient and inpatient child neurology units of Peking University First Hospital from 2005 till present. The study was approved by the Ethics Committee of Peking University First Hospital and the Institutional Review Board at Peking University. Participants or their parents provided written informed consent before enrollment. We collected a total of 267 mutations from 255 families with probands diagnosed with DS in China. All probands fulfilled the clinical diagnostic criteria.

NM_001165963.4(SCN1A):c.1024G>T (p.Ala342Ser)

Gene: SCN1A (sodium voltage-gated channel alpha subunit 1; minus strand). Cytogenetic location: 2q24.3.
Variant type: single nucleotide variant.
Coding change: c.1024G>T on transcript NM_001165963.4 (MANE Select); coding-DNA position 1024, G replaced by T.
Protein change: p.Ala342Ser; replaces alanine 342 with serine.
Molecular consequence: missense variant. On other transcripts: 5 prime UTR variant (1), non-coding transcript variant (1).
Genome position (GRCh38, 1-based): chr2:166,048,890, C>A on the plus strand (G>T on the coding strand, the complement: SCN1A is on the minus strand). VCF-style: chr2-166048890-C-A. GRCh37 (hg19) VCF-style: chr2-166905400-C-A.
Other names: c.1024G>T, p.Ala342Ser (NM_001165964.3, NM_001202435.3, NM_001353948.2 and 10 more transcripts); c.-1402G>T (NM_001353961.2); short protein forms A342S.
Identifiers: ClinVar variation 190017 (VCV000190017.2), dbSNP rs794726843, ClinGen allele CA303563.